The following is an entry in ClinVar:

ClinVar aggregate classification (germline): Likely pathogenic (1 of 4 stars; one submission).

Submission:

GeneDx
Classification: Likely pathogenic. Last evaluated: 2020-08-19. Review status: criteria provided, single submitter. Criteria: GeneDx Variant Classification Process June 2021. Collection method: clinical testing. Allele origin: germline. Affected: yes.
Comment: Previously reported as a paternally inherited variant in an infant with LADD syndrome with acinar dysplasia (Karolak et al., 2019; Freed et al., 2020); Frameshift variant predicted to result in protein truncation, as the last 33 amino acids are replaced with 4 different amino acids, and other loss-of-function variants have been reported downstream in the Human Gene Mutation Database (Stenson et al., 2014); Not observed in large population cohorts (Lek et al., 2016); This variant is associated with the following publications: (PMID: 32553838, 30639323)

NM_004465.2(FGF10):c.526del (p.Met176fs)

Gene: FGF10 (fibroblast growth factor 10; minus strand). Cytogenetic location: 5p12.
Variant type: Deletion.
Coding change: c.526del on transcript NM_004465.2 (MANE Select); coding-DNA position 526, one base deleted (A; older notation c.526delA).
Protein change: p.Met176fs; shifts the reading frame from methionine 176.
Molecular consequence: frameshift variant.
Genome position (GRCh38, 1-based): chr5:44,305,096, T deleted on the plus strand (A on the coding strand, the reverse complement: FGF10 is on the minus strand); the first of 3 consecutive T bases (chr5:44,305,096-44,305,098); deleting any one gives the same sequence. VCF-style (leftmost placement, unchanged base first): chr5-44305095-AT-A. GRCh37 (hg19) VCF-style: chr5-44305197-AT-A.
Other names: c.526delA (NM_004465.1); short protein forms M176fs.
Identifiers: ClinVar variation 452864 (VCV000452864.3), dbSNP rs1554035473, ClinGen allele CA658657443.
Genomic context (GRCh38, chr5:44,305,095, plus strand): 5'-TTTTTCCTTCGTGTTTTCTGTCCTCTCCTTGGAGCTCCTTTTCCATTCAATGCCACATAC[AT>A]TTGCCTCCCATTATGCTGCCAGTTAAATGATGCATAGGTATTGTATCCATTTTCCTCTAT-3'